The following is an entry in ClinVar:

ClinVar aggregate classification (germline): Uncertain significance (1 of 4 stars; one submission).

Conditions:
Autosomal recessive ataxia, Beauce type. Also called: Spinocerebellar ataxia, autosomal recessive 8; SYNE1-Related Autosomal Recessive Cerebellar Ataxia; SYNE1 Deficiency; ATAXIA, RECESSIVE, OF BEAUCE. Identifiers: Orphanet 88644, MedGen C1853116, MONDO:0012549, OMIM 610743.
Emery-Dreifuss muscular dystrophy 4, autosomal dominant (EDMD4). Also called: EMERY-DREIFUSS MUSCULAR DYSTROPHY 4 WITH VARIABLE FEATURES. Identifiers: Orphanet 261, MedGen C2751807, MONDO:0013071, OMIM 612998.

Submission:

Labcorp Genetics (formerly Invitae), Labcorp
Classification: Uncertain significance for Emery-Dreifuss muscular dystrophy 4, autosomal dominant; Autosomal recessive ataxia, Beauce type. Last evaluated: 2017-09-25. Review status: criteria provided, single submitter. Criteria: Invitae Variant Classification Sherloc (09022015). Collection method: clinical testing. Allele origin: germline.
Comment: This variant is not present in population databases (ExAC no frequency). This sequence change replaces glycine with glutamic acid at codon 8684 of the SYNE1 protein (p.Gly8684Glu). The glycine residue is weakly conserved and there is a moderate physicochemical difference between glycine and glutamic acid. This variant has not been reported in the literature in individuals with SYNE1-related disease. In summary, the available evidence is currently insufficient to determine the role of this variant in disease. Therefore, it has been classified as a Variant of Uncertain Significance. Algorithms developed to predict the effect of missense changes on protein structure and function (SIFT, PolyPhen-2, Align-GVGD) all suggest that this variant is likely to be tolerated, but these predictions have not been confirmed by published functional studies and their clinical significance is uncertain.

NM_182961.4(SYNE1):c.26195G>A (p.Gly8732Glu)

Genes: SYNE1 (spectrin repeat containing nuclear envelope protein 1; minus strand), ESR1 (estrogen receptor 1; plus strand). Cytogenetic location: 6q25.2.
Variant type: single nucleotide variant.
Coding change: c.26195G>A on transcript NM_182961.4 (MANE Select); coding-DNA position 26195, G replaced by A.
Protein change: p.Gly8732Glu; replaces glycine 8732 with glutamic acid.
Molecular consequence: missense variant. On other transcripts: 3 prime UTR variant (1), intron variant (1).
Genome position (GRCh38, 1-based): chr6:152,122,635, C>T on the plus strand (G>A on the coding strand, the complement: SYNE1 is on the minus strand). VCF-style: chr6-152122635-C-T. GRCh37 (hg19) VCF-style: chr6-152443770-C-T.
Other names: c.*6G>A (NM_001347701.2); c.2729G>A, p.Gly910Glu (NM_001347702.2); c.26051G>A, p.Gly8684Glu (NM_033071.5); c.851-2631C>T (NM_001328100.2); short protein forms G8684E, G8732E, G910E.
Identifiers: ClinVar variation 538400 (VCV000538400.10), dbSNP rs1554349162, ClinGen allele CA366089178.